The following is an entry in ClinVar:

NM_198578.4(LRRK2):c.6490A>T (p.Asn2164Tyr)

Gene: LRRK2 (leucine rich repeat kinase 2; plus strand). Cytogenetic location: 12q12.
Variant type: single nucleotide variant.
Coding change: c.6490A>T on transcript NM_198578.4 (MANE Select); coding-DNA position 6490, A replaced by T.
Protein change: p.Asn2164Tyr; replaces asparagine 2164 with tyrosine.
Molecular consequence: missense variant.
Genome position (GRCh38, 1-based): chr12:40,351,647, A>T. VCF-style: chr12-40351647-A-T. GRCh37 (hg19) VCF-style: chr12-40745449-A-T.
Other names: short protein forms N2164Y.
Identifiers: ClinVar variation 1753834 (VCV001753834.2), dbSNP rs2499981945, ClinGen allele CA384407005.
Genomic context (GRCh38, chr12:40,351,647, plus strand): 5'-ATTTTATTACCTAAAAACGTAATTGTTGAATGCATGGTTGCTACACATCACAACAGCAGG[A>T]ATGCAAGCATTTGGCTGGGCTGTGGGCACACCGACAGAGGACAGCTCTCATTTCTTGACT-3'
Protein context (NP_940980.4, residues 2154-2174): CMVATHHNSR[Asn2164Tyr]ASIWLGCGHT

ClinVar aggregate classification (germline): Uncertain significance (1 of 4 stars; one submission).

Conditions:
Inborn genetic diseases. Identifiers: MedGen C0950123, MeSH D030342.

Allele frequency attached by ClinVar (database versions not stated): gnomAD exomes below 0.00001.
gnomAD v4.1: 1 of 1,614,220 alleles (0.000062%); highest among the groups gnomAD compares: Non-Finnish European, 0.000085%; no homozygotes.

Submission:

Ambry Genetics
Classification: Uncertain significance for Inborn genetic diseases. Last evaluated: 2022-10-12. Review status: criteria provided, single submitter. Criteria: Ambry Variant Classification Scheme 2023. Collection method: clinical testing. Allele origin: germline.
Comment: The p.N2164Y variant (also known as c.6490A>T), located in coding exon 44 of the LRRK2 gene, results from an A to T substitution at nucleotide position 6490. The asparagine at codon 2164 is replaced by tyrosine, an amino acid with dissimilar properties. This amino acid position is conserved. In addition, this alteration is predicted to be tolerated by in silico analysis. Since supporting evidence is limited at this time, the clinical significance of this alteration remains unclear.